The following is an entry in ClinVar:

ClinVar aggregate classification (germline): Uncertain significance (1 of 4 stars; one submission).

Conditions:
Kabuki syndrome 1 (KABUK1). Also called: KMT2D-Related Kabuki Syndrome. Identifiers: Orphanet 2322, MedGen CN030661, MONDO:0007843, OMIM 147920.

Allele frequency attached by ClinVar (database versions not stated): gnomAD 0.00001; gnomAD exomes 0.00001; TOPMed 0.00001.
gnomAD v4.1: 9 of 1,606,844 alleles (0.00056%); highest among the groups gnomAD compares: East Asian, 0.0022%; no homozygotes.

Submission:

New York Genome Center
Classification: Uncertain significance for Kabuki syndrome 1. Last evaluated: 2020-09-23. Review status: criteria provided, single submitter. Criteria: NYGC Assertion Criteria 2020. Collection method: clinical testing. Allele origin: germline. Observed: 1 heterozygote. Study: CSER-NYCKidSeq.
Comment: The c.15707A>G (p.Asn5236Ser) variant identified in the KMT2D gene substitutes a moderately conserved Asparagine for Serine at amino acid 5236/5538 (exon 49/55). This variant is found with low frequency in gnomAD(v3.0) (1 heterozygote, 0 homozygotes; allele frequency: 6.57e-6) suggesting it is not a common benign variant in the populations represented in that database. In silico algorithms predict this variant to be Tolerated (SIFT; score:0.15) and Benign (REVEL; score:0.347) to the function of the canonical transcript. This variant is absent from ClinVar and to our current knowledge has not been reported in affected individuals in the literature. The p.Asn5236 residue is in the FYR C-terminal domain of KMT2D, which is important for protein-protein interactions (UniProtKB:O14686). Given the lack of compelling evidence for its pathogenicity, the c.15707A>G (p.Asn5236Ser) variant identified in the KMT2D gene is reported as a Variant of Uncertain Significance.

NM_003482.4(KMT2D):c.15707A>G (p.Asn5236Ser)

Gene: KMT2D (lysine methyltransferase 2D; minus strand). Cytogenetic location: 12q13.12.
Variant type: single nucleotide variant.
Coding change: c.15707A>G on transcript NM_003482.4 (MANE Select); coding-DNA position 15707, A replaced by G.
Protein change: p.Asn5236Ser; replaces asparagine 5236 with serine.
Molecular consequence: missense variant.
Genome position (GRCh38, 1-based): chr12:49,026,259, T>C on the plus strand (A>G on the coding strand, the complement: KMT2D is on the minus strand). VCF-style: chr12-49026259-T-C. GRCh37 (hg19) VCF-style: chr12-49420042-T-C.
Other names: short protein forms N5236S.
Identifiers: ClinVar variation 1213814 (VCV001213814.1), dbSNP rs1458393564, ClinGen allele CA384685428.